The following is an entry in ClinVar:

ClinVar aggregate classification (germline): Uncertain significance (1 of 4 stars; one submission).

Conditions:
Malignant hyperthermia, susceptibility to, 1 (MHS1). Also called: RYR1-Related Malignant Hyperthermia Susceptibility; Malignant hyperthermia suceptibility 1; Anesthesia related hyperthermia; Malignant hyperpyrexia; Fulminating hyperpyrexia; Pharmacogenic myopathy. Identifiers: Orphanet 423, MedGen C2930980, MONDO:0007783, OMIM 145600.

gnomAD v4.1: 5 of 1,613,888 alleles (0.00031%); highest among the groups gnomAD compares: Admixed American, 0.0017%; no homozygotes.

Submission:

Color Diagnostics, LLC DBA Color Health
Classification: Uncertain significance for Malignant hyperthermia, susceptibility to, 1. Last evaluated: 2025-07-14. Review status: criteria provided, single submitter. Criteria: ACMG Guidelines, 2015. Collection method: clinical testing. Allele origin: germline.
Comment: This missense variant replaces leucine with proline at codon 3843 of the RYR1 protein. Computational prediction suggests that this variant may have deleterious impact on protein structure and function. To our knowledge, functional studies have not been reported for this variant. This variant has not been reported in individuals affected with RYR1-related disorders in the literature. This variant has been identified in 2/250714 chromosomes in the general population by the Genome Aggregation Database (gnomAD). The available evidence is insufficient to determine the role of this variant in disease conclusively. Therefore, this variant is classified as a Variant of Uncertain Significance.

NM_000540.3(RYR1):c.11528T>C (p.Leu3843Pro)

Gene: RYR1 (ryanodine receptor 1; plus strand). Cytogenetic location: 19q13.2.
Variant type: single nucleotide variant.
Coding change: c.11528T>C on transcript NM_000540.3 (MANE Select); coding-DNA position 11528, T replaced by C.
Protein change: p.Leu3843Pro; replaces leucine 3843 with proline.
Molecular consequence: missense variant.
Genome position (GRCh38, 1-based): chr19:38,536,008, T>C. VCF-style: chr19-38536008-T-C. GRCh37 (hg19) VCF-style: chr19-39026648-T-C.
Other names: c.11513T>C, p.Leu3838Pro (NM_001042723.2); short protein forms L3838P, L3843P.
Identifiers: ClinVar variation 4758503 (VCV004758503.1).